The following is an entry in ClinVar:

NM_001291415.2(KDM6A):c.1778A>T (p.Gln593Leu)

Gene: KDM6A (lysine demethylase 6A; plus strand). Cytogenetic location: Xp11.3.
Variant type: single nucleotide variant.
Coding change: c.1778A>T on transcript NM_001291415.2 (MANE Select); coding-DNA position 1778, A replaced by T.
Protein change: p.Gln593Leu; replaces glutamine 593 with leucine.
Molecular consequence: missense variant. On other transcripts: non-coding transcript variant (1).
Genome position (GRCh38, 1-based): chrX:45,063,516, A>T. VCF-style: chrX-45063516-A-T. GRCh37 (hg19) VCF-style: chrX-44922761-A-T.
Other names: c.1643A>T, p.Gln548Leu (NM_001291416.2, NM_001419811.1); c.1487A>T, p.Gln496Leu (NM_001291417.2); c.1385A>T, p.Gln462Leu (NM_001291418.2, NM_001419815.1); c.734A>T, p.Gln245Leu (NM_001291421.2); c.1520A>T, p.Gln507Leu (NM_001410742.1, NM_001419814.1); c.1778A>T, p.Gln593Leu (NM_001419809.1); c.1676A>T, p.Gln559Leu (NM_001419810.1, NM_001419813.1); c.1622A>T, p.Gln541Leu (NM_001419812.1, NM_021140.4); short protein forms Q245L, Q462L, Q496L, Q507L, Q541L, Q548L, Q559L, Q593L.
Identifiers: ClinVar variation 4884812 (VCV004884812.1).

ClinVar aggregate classification (germline): Uncertain significance (0 of 4 stars; one submission).

Conditions:
Kabuki syndrome 2 (KABUK2). Also called: KDM6A-Related Kabuki Syndrome. Identifiers: Orphanet 2322, MedGen C3275495, MONDO:0010465, OMIM 300867.

Submission:

Hong-Tao Li Lab, Institute of Brain Science and Brain-inspired Research, Shandong First Medical University & Shandong Academy of Medical Sciences China
Classification: Uncertain significance for Kabuki syndrome 2. Review status: no assertion criteria provided. Collection method: research. Allele origin: germline. Inheritance: X-linked dominant inheritance. Affected: yes. Observed: 1 variant allele, 1 heterozygote.
Comment: Observed in affected individuals from a Pakistani neurodevelopmental-disorder research cohort of 263 individuals. Classification assigned using the ACMG/AMP framework.